The following is an entry in ClinVar:

NM_005559.4(LAMA1):c.5401GAA[1] (p.Glu1802del)

Gene: LAMA1 (laminin subunit alpha 1; minus strand). Cytogenetic location: 18p11.31.
Variant type: Microsatellite.
Coding change: c.5401GAA[1] on transcript NM_005559.4 (MANE Select); one copy of the 3-base unit GAA starting at c.5401; the reference has two copies in a row; one copy, 3 bases deleted.
Protein change: p.Glu1802del; deletes glutamic acid 1802.
Molecular consequence: inframe deletion.
Genome position (GRCh38, 1-based): chr18:6,985,617-6,985,619, TTC deleted on the plus strand (GAA on the coding strand, the reverse complement: LAMA1 is on the minus strand); deleting any 3 consecutive bases within chr18:6,985,617-6,985,624 gives the same sequence; the position shown is the placement nearest the transcript's 3' end. VCF-style (leftmost placement, unchanged base first): chr18-6985616-GTTC-G. GRCh37 (hg19) VCF-style: chr18-6985615-GTTC-G.
Other names: short protein forms E1802del.
Identifiers: ClinVar variation 1368615 (VCV001368615.6), dbSNP rs748558407, ClinGen allele CA8881604.

ClinVar aggregate classification (germline): Uncertain significance (1 of 4 stars; one submission).

Submission:

Labcorp Genetics (formerly Invitae), Labcorp
Classification: Uncertain significance. Last evaluated: 2021-11-12. Review status: criteria provided, single submitter. Criteria: Invitae Variant Classification Sherloc (09022015). Collection method: clinical testing. Allele origin: germline.
Comment: In summary, the available evidence is currently insufficient to determine the role of this variant in disease. Therefore, it has been classified as a Variant of Uncertain Significance. Experimental studies and prediction algorithms are not available or were not evaluated, and the functional significance of this variant is currently unknown. This variant has not been reported in the literature in individuals affected with LAMA1-related conditions. This variant is present in population databases (rs748558407, gnomAD 0.003%). This variant, c.5404_5406del, results in the deletion of 1 amino acid(s) of the LAMA1 protein (p.Glu1802del), but otherwise preserves the integrity of the reading frame.